The following is an entry in ClinVar:

NM_002016.2(FLG):c.1484C>A (p.Ser495Ter)

Genes: CCDST (cervical cancer associated DHX9 suppressive transcript; plus strand), FLG (filaggrin; minus strand). Cytogenetic location: 1q21.3.
Variant type: single nucleotide variant.
Coding change: c.1484C>A on transcript NM_002016.2 (MANE Select); coding-DNA position 1484, C replaced by A.
Protein change: p.Ser495Ter; replaces serine 495 with a stop codon.
Molecular consequence: nonsense.
Genome position (GRCh38, 1-based): chr1:152,313,402, G>T on the plus strand (C>A on the coding strand, the complement: FLG is on the minus strand). VCF-style: chr1-152313402-G-T. GRCh37 (hg19) VCF-style: chr1-152285878-G-T.
Other names: short protein forms S495*.
Identifiers: ClinVar variation 4885261 (VCV004885261.2).
Genomic context (GRCh38, chr1:152,313,402, plus strand): 5'-GTGTCCTGACCCTCTTGGGACGCTGAATGCCTGGAGCTGTCTCGTGCCTGCTCGTGGTGC[G>T]ATCCTTGTCTTCCTCCAGTGCTGGTCCCGGTCCGTCCATGGGCAGAGTCAGGCTGTTCAT-3'

ClinVar aggregate classification (germline): Likely pathogenic (1 of 4 stars; one submission).

gnomAD v4.1: 10 of 1,613,750 alleles (0.00062%); highest among the groups gnomAD compares: Middle Eastern, 0.017%; no homozygotes.

Submission:

Dasa
Classification: Likely pathogenic. Last evaluated: 2025-06-06. Review status: criteria provided, single submitter. Criteria: DASA Assertion Criteria. Collection method: clinical testing. Allele origin: germline.
Comment: NM_002016.2(FLG):c.1484C>A (p.Ser495*) is a nonsense variant in FLG predicted to introduce a premature termination codon and is predicted to result in an absent or altered protein product. Loss of function is an established disease mechanism for FLG (PMID: 16444271; PMID: 27793761; PMID: 27667308). Also, this variant is rare in population databases. Based on the currently available evidence, this variant is classified as likely pathogenic.

Literature cited by the submitters: PubMed 16444271; PubMed 27793761; PubMed 27667308.